The following is an entry in ClinVar:

NM_001170700.3(DTHD1):c.2056C>G (p.Gln686Glu)

Gene: DTHD1 (death domain containing 1; plus strand). Cytogenetic location: 4p14.
Variant type: single nucleotide variant.
Coding change: c.2056C>G on transcript NM_001170700.3 (MANE Select); coding-DNA position 2056, C replaced by G.
Protein change: p.Gln686Glu; replaces glutamine 686 with glutamic acid.
Molecular consequence: missense variant. On other transcripts: non-coding transcript variant (2).
Genome position (GRCh38, 1-based): chr4:36,308,454, C>G. VCF-style: chr4-36308454-C-G. GRCh37 (hg19) VCF-style: chr4-36310076-C-G.
Other names: c.1186C>G, p.Gln396Glu (NM_001136536.5); c.1123C>G, p.Gln375Glu (NM_001378435.1); c.1681C>G (NM_001170700.1); short protein forms Q396E, Q686E, Q375E.
Identifiers: ClinVar variation 963367 (VCV000963367.10), dbSNP rs375987946, ClinGen allele CA95784031.

ClinVar aggregate classification (germline): Uncertain significance. Review status: criteria provided, multiple submitters, no conflicts (2 of 4 stars). 3 submissions from 3 submitters: Uncertain significance (3). Last evaluated 2025-12-17.

Allele frequency attached by ClinVar (database versions not stated): gnomAD exomes 0.00002 and 0.00005; 1000 Genomes Project 30x 0.00016; 1000 Genomes Project 0.00020; gnomAD 0.00033 and 0.00036; TOPMed 0.00035; ESP Exome Variant Server 0.00044.
gnomAD v4.1: 86 of 1,551,712 alleles (0.0055%); highest among the groups gnomAD compares: African/African-American, 0.098%; no homozygotes.

Submissions (3):

Labcorp Genetics (formerly Invitae), Labcorp
Classification: Uncertain significance. Last evaluated: 2025-12-17. Review status: criteria provided, single submitter. Criteria: Invitae Variant Classification Sherloc (09022015). Collection method: clinical testing. Allele origin: germline.
Comment: This sequence change replaces glutamine, which is neutral and polar, with glutamic acid, which is acidic and polar, at codon 396 of the DTHD1 protein (p.Gln396Glu). This variant is present in population databases (rs375987946, gnomAD 0.09%), and has an allele count higher than expected for a pathogenic variant. This variant has not been reported in the literature in individuals affected with DTHD1-related conditions. ClinVar contains an entry for this variant (Variation ID: 963367). An algorithm developed to predict the effect of missense changes on protein structure and function (PolyPhen-2) suggests that this variant is likely to be disruptive. In summary, the available evidence is currently insufficient to determine the role of this variant in disease. Therefore, it has been classified as a Variant of Uncertain Significance.

Blueprint Genetics
Classification: Uncertain significance. Last evaluated: 2023-01-04. Review status: criteria provided, single submitter. Criteria: ACMG Guidelines, 2015. Collection method: clinical testing. Allele origin: germline.

Ambry Genetics
Classification: Uncertain significance. Last evaluated: 2021-10-12. Review status: criteria provided, single submitter. Criteria: Ambry Variant Classification Scheme 2023. Collection method: clinical testing. Allele origin: germline.